The following is an entry in ClinVar:

NM_003036.4(SKI):c.2013G>C (p.Gln671His)

Gene: SKI (SKI proto-oncogene; plus strand). Cytogenetic location: 1p36.32.
Variant type: single nucleotide variant.
Coding change: c.2013G>C on transcript NM_003036.4 (MANE Select); coding-DNA position 2013, G replaced by C.
Protein change: p.Gln671His; replaces glutamine 671 with histidine.
Molecular consequence: missense variant.
Genome position (GRCh38, 1-based): chr1:2,306,591, G>C. VCF-style: chr1-2306591-G-C. GRCh37 (hg19) VCF-style: chr1-2238030-G-C.
Other names: short protein forms Q671H.
Identifiers: ClinVar variation 4527513 (VCV004527513.1).

ClinVar aggregate classification (germline): Uncertain significance (1 of 4 stars; one submission).

Submission:

GeneDx
Classification: Uncertain significance. Last evaluated: 2025-04-23. Review status: criteria provided, single submitter. Criteria: GeneDx Variant Classification Process June 2021. Collection method: clinical testing. Allele origin: germline. Affected: yes.
Comment: Not observed at significant frequency in large population cohorts (gnomAD); In silico analysis indicates that this missense variant does not alter protein structure/function; Has not been previously published as pathogenic or benign to our knowledge